The following is an entry in ClinVar:

ClinVar aggregate classification (germline): Uncertain significance (1 of 4 stars; one submission).

Conditions:
Hereditary diffuse gastric adenocarcinoma (HDGC). Also called: DIFFUSE GASTRIC AND LOBULAR BREAST CANCER SYNDROME. Identifiers: Orphanet 26106, MedGen C1708349, MONDO:0007648, OMIM 137215.

Submission:

Labcorp Genetics (formerly Invitae), Labcorp
Classification: Uncertain significance for Hereditary diffuse gastric adenocarcinoma. Last evaluated: 2023-10-20. Review status: criteria provided, single submitter. Criteria: Invitae Variant Classification Sherloc (09022015). Collection method: clinical testing. Allele origin: germline.
Comment: This sequence change replaces glycine, which is neutral and non-polar, with arginine, which is basic and polar, at codon 2 of the CDH1 protein (p.Gly2Arg). This variant is not present in population databases (gnomAD no frequency). This variant has not been reported in the literature in individuals affected with CDH1-related conditions. An algorithm developed to predict the effect of missense changes on protein structure and function (PolyPhen-2) suggests that this variant is likely to be disruptive. In summary, the available evidence is currently insufficient to determine the role of this variant in disease. Therefore, it has been classified as a Variant of Uncertain Significance.

NM_004360.5(CDH1):c.4G>C (p.Gly2Arg)

Gene: CDH1 (cadherin 1; plus strand). Cytogenetic location: 16q22.1.
Variant type: single nucleotide variant.
Coding change: c.4G>C on transcript NM_004360.5 (MANE Select); coding-DNA position 4, G replaced by C.
Protein change: p.Gly2Arg; replaces glycine 2 with arginine.
Molecular consequence: missense variant. On other transcripts: 5 prime UTR variant (2).
Genome position (GRCh38, 1-based): chr16:68,737,419, G>C. VCF-style: chr16-68737419-G-C. GRCh37 (hg19) VCF-style: chr16-68771322-G-C.
Other names: c.4G>C, p.Gly2Arg (NM_001317184.2); c.-1612G>C (NM_001317185.2); c.-1816G>C (NM_001317186.2); short protein forms G2R.
Identifiers: ClinVar variation 2826614 (VCV002826614.3), dbSNP rs786201212, ClinGen allele CA396451201.